The following is an entry in ClinVar:

NM_000051.4(ATM):c.6493T>A (p.Ser2165Thr)

Genes: C11orf65 (chromosome 11 open reading frame 65; minus strand), ATM (ATM serine/threonine kinase; plus strand). Cytogenetic location: 11q22.3.
Variant type: single nucleotide variant.
Coding change: c.6493T>A on transcript NM_000051.4 (MANE Select); coding-DNA position 6493, T replaced by A.
Protein change: p.Ser2165Thr; replaces serine 2165 with threonine.
Molecular consequence: missense variant. On other transcripts: intron variant (2).
Genome position (GRCh38, 1-based): chr11:108,321,341, T>A. VCF-style: chr11-108321341-T-A. GRCh37 (hg19) VCF-style: chr11-108192068-T-A.
Other names: c.6493T>A, p.Ser2165Thr (NM_001351834.2); c.641-12270A>T (NM_001330368.2); c.*39-12270A>T (NM_001351110.2); short protein forms S2165T.
Identifiers: ClinVar variation 453632 (VCV000453632.17), dbSNP rs1555117132, ClinGen allele CA382554028.

ClinVar aggregate classification (germline): Uncertain significance. Review status: criteria provided, multiple submitters, no conflicts (2 of 4 stars). 6 submissions from 6 submitters: Uncertain significance (6). Last evaluated 2026-03-17.

Conditions:
Hereditary cancer-predisposing syndrome. Also called: Neoplastic Syndromes, Hereditary; Hereditary Cancer Syndrome; Tumor predisposition; Hereditary neoplastic syndrome. Identifiers: Orphanet 140162, MedGen C0027672, MeSH D009386, MONDO:0015356.
Familial cancer of breast. Also called: Hereditary breast cancer; BREAST CANCER, FAMILIAL; hereditary breast carcinoma. Identifiers: Orphanet 227535, MedGen C0346153, MONDO:0016419, OMIM 114480. Disease mechanism: loss of function.
Ataxia-telangiectasia syndrome (AT). Also called: LOUIS-BAR SYNDROME; Cerebello-oculocutaneous telangiectasia; Immunodeficiency with ataxia telangiectasia; Ataxia-telangiectasia, complementation group D; AT, COMPLEMENTATION GROUP C; Ataxia-telangiectasia, complementation group E. Identifiers: Orphanet 100, MedGen C0004135, MONDO:0008840, OMIM 208900.

Submissions (6):

Women's Health and Genetics/Laboratory Corporation of America, LabCorp
Classification: Uncertain significance. Last evaluated: 2026-03-17. Review status: criteria provided, single submitter. Criteria: LabCorp Variant Classification Summary - May 2015. Collection method: clinical testing. Allele origin: germline.
Comment: Variant summary: ATM c.6493T>A (p.Ser2165Thr) results in a conservative amino acid change located in the PIK-related kinase, FAT domain (IPR003151) of the encoded protein sequence. Algorithms developed to predict the effect of missense changes on protein structure and function are either unavailable or do not agree on the potential impact of this missense change. The variant was absent in 251464 control chromosomes. The available data on variant occurrences in the general population are insufficient to allow any conclusion about variant significance. c.6493T>A has been observed in individual(s) affected with Breast Cancer (Ren_2021, de Oliveria_2022). These report(s) do not provide unequivocal conclusions about association of the variant with Breast Cancer. To our knowledge, no experimental evidence demonstrating an impact on protein function has been reported. The following publications have been ascertained in the context of this evaluation (PMID: 34196900, 35534704). ClinVar contains an entry for this variant (Variation ID: 453632). Based on the evidence outlined above, the variant was classified as uncertain significance.

Labcorp Genetics (formerly Invitae), Labcorp
Classification: Uncertain significance for Ataxia-telangiectasia syndrome. Last evaluated: 2025-12-22. Review status: criteria provided, single submitter. Criteria: Invitae Variant Classification Sherloc (09022015). Collection method: clinical testing. Allele origin: germline.
Comment: This sequence change replaces serine, which is neutral and polar, with threonine, which is neutral and polar, at codon 2165 of the ATM protein (p.Ser2165Thr). This variant is not present in population databases (gnomAD no frequency). This missense change has been observed in individual(s) with ATM-related cancer (PMID: 34196900, 35534704). ClinVar contains an entry for this variant (Variation ID: 453632). Invitae Evidence Modeling of protein sequence and biophysical properties (such as structural, functional, and spatial information, amino acid conservation, physicochemical variation, residue mobility, and thermodynamic stability) has been performed for this missense variant. However, the output from this modeling did not meet the statistical confidence thresholds required to predict the impact of this variant on ATM protein function. In summary, the available evidence is currently insufficient to determine the role of this variant in disease. Therefore, it has been classified as a Variant of Uncertain Significance.

Ambry Genetics
Classification: Uncertain significance for Hereditary cancer-predisposing syndrome. Last evaluated: 2025-04-10. Review status: criteria provided, single submitter. Criteria: Ambry Variant Classification Scheme 2023. Collection method: clinical testing. Allele origin: germline.
Comment: The p.S2165T variant (also known as c.6493T>A), located in coding exon 44 of the ATM gene, results from a T to A substitution at nucleotide position 6493. The serine at codon 2165 is replaced by threonine, an amino acid with similar properties. This variant has been detected in breast cancer cohorts (Ren M et al. Breast Cancer Res Treat, 2021 Sep;189:533-539; de Oliveira JM et al. Eur J Hum Genet, 2022 Jul;30:818-823). This amino acid position is well conserved in available vertebrate species. In addition, the in silico prediction for this alteration is inconclusive. Based on the available evidence, the clinical significance of this variant remains unclear.

Molecular Pathology, Peter Maccallum Cancer Centre
Classification: Uncertain significance for Ataxia-telangiectasia syndrome. Last evaluated: 2024-09-03. Review status: criteria provided, single submitter. Criteria: ACMG Guidelines, 2015. Collection method: clinical testing. Allele origin: germline. Inheritance: Autosomal recessive inheritance.

Fulgent Genetics
Classification: Uncertain significance for Familial cancer of breast; Ataxia-telangiectasia syndrome. Last evaluated: 2018-10-31. Review status: criteria provided, single submitter. Criteria: ACMG Guidelines, 2015. Collection method: clinical testing. Allele origin: unknown.

Mendelics
Classification: Uncertain significance for Ataxia-telangiectasia syndrome. Last evaluated: 2018-07-02. Review status: criteria provided, single submitter. Criteria: Mendelics Assertion Criteria 2017. Collection method: clinical testing. Allele origin: unknown.

Literature cited by the submitters: PubMed 34196900 (cited by 3 submitters); PubMed 35534704 (cited by 3 submitters).